The following is an entry in ClinVar:

NM_000554.6(CRX):c.520del (p.Ala174fs)

Gene: CRX (cone-rod homeobox; plus strand). Cytogenetic location: 19q13.33.
Variant type: Deletion.
Coding change: c.520del on transcript NM_000554.6 (MANE Select); coding-DNA position 520, one base deleted (G; older notation c.520delG).
Protein change: p.Ala174fs; shifts the reading frame from alanine 174.
Molecular consequence: frameshift variant.
Genome position (GRCh38, 1-based): chr19:47,839,587, G deleted; the last of 2 consecutive G bases (chr19:47,839,586-47,839,587); deleting either gives the same sequence. VCF-style (leftmost placement, unchanged base first): chr19-47839585-AG-A. GRCh37 (hg19) VCF-style: chr19-48342842-AG-A.
Other names: short protein forms A174fs.
Identifiers: ClinVar variation 99611 (VCV000099611.2), dbSNP rs281865515, ClinGen allele CA227631.

ClinVar aggregate classification (germline): Likely pathogenic. Review status: criteria provided, single submitter (1 of 4 stars). 3 submissions from 3 submitters: Likely pathogenic (1). 2 of the submissions do not count toward it. Last evaluated 2025-08-21.

Conditions:
CRX-related disorder. Also called: CRX-related condition.
Leber congenital amaurosis 7 (LCA7). Identifiers: Orphanet 65, MedGen C3151192, MONDO:0013449, OMIM 613829.

Submissions (3):

3billion
Classification: Likely pathogenic for CRX-related disorder. Last evaluated: 2025-08-21. Review status: criteria provided, single submitter. Criteria: ACMG Guidelines, 2015. Collection method: clinical testing. Allele origin: germline. Affected: yes.
Comment: The variant is not observed in the gnomAD v4.1.0 dataset. Predicted Consequence/Location: Frameshift: predicted to result in a loss or disruption of normal protein function through protein truncation. The predicted truncated protein may be shortened by more than 10%. The variant has been reported to be associated with CRX-related disorder (ClinVar ID: VCV000099611 /PMID: 12208271). Therefore, this variant is classified as Likely pathogenic according to the recommendation of ACMG/AMP guideline.

OMIM
Classification: Pathogenic for LEBER CONGENITAL AMAUROSIS 7. Last evaluated: 2002-09-01. Review status: no assertion criteria provided. Collection method: literature only. Allele origin: germline. Not counted in ClinVar's aggregate classification.

Retina International
No classification provided. Review status: no classification provided. Collection method: not provided. Allele origin: not provided. Not counted in ClinVar's aggregate classification.

Literature cited by the submitters: PubMed 12208271 (cited by 3billion and OMIM).